The following is an entry in ClinVar:

ClinVar aggregate classification (germline): Uncertain significance. Review status: criteria provided, multiple submitters, no conflicts (2 of 4 stars). 2 submissions from 2 submitters: Uncertain significance (2). Last evaluated 2025-09-02.

Conditions:
Neonatal diabetes mellitus with congenital hypothyroidism. Also called: NDH SYNDROME. Identifiers: Orphanet 79118, MedGen C1857775, MONDO:0012436, OMIM 610199.

Allele frequency attached by ClinVar (database versions not stated): gnomAD 0.00003; gnomAD exomes 0.00003; TOPMed 0.00003.
gnomAD v4.1: 43 of 1,613,638 alleles (0.0027%); highest among the groups gnomAD compares: Non-Finnish European, 0.0034%; no homozygotes.

Submissions (2):

Labcorp Genetics (formerly Invitae), Labcorp
Classification: Uncertain significance. Last evaluated: 2025-09-02. Review status: criteria provided, single submitter. Criteria: Invitae Variant Classification Sherloc (09022015). Collection method: clinical testing. Allele origin: germline.
Comment: This sequence change affects codon 743 of the GLIS3 mRNA. It is a 'silent' change, meaning that it does not change the encoded amino acid sequence of the GLIS3 protein. This variant is present in population databases (rs531799411, gnomAD 0.004%). This variant has not been reported in the literature in individuals affected with GLIS3-related conditions. ClinVar contains an entry for this variant (Variation ID: 1903964). Algorithms developed to predict the effect of sequence changes on RNA splicing suggest that this variant may create or strengthen a splice site. In summary, the available evidence is currently insufficient to determine the role of this variant in disease. Therefore, it has been classified as a Variant of Uncertain Significance.

Fulgent Genetics
Classification: Uncertain significance for Neonatal diabetes mellitus with congenital hypothyroidism. Last evaluated: 2024-05-30. Review status: criteria provided, single submitter. Criteria: ACMG Guidelines, 2015. Collection method: clinical testing. Allele origin: germline.

NM_001042413.2(GLIS3):c.2694G>T (p.Gly898=)

Gene: GLIS3 (GLIS family zinc finger 3; minus strand). Cytogenetic location: 9p24.2.
Variant type: single nucleotide variant.
Coding change: c.2694G>T on transcript NM_001042413.2 (MANE Select); coding-DNA position 2694, G replaced by T.
Protein change: p.Gly898=; no amino-acid change (glycine 898 retained).
Molecular consequence: synonymous variant.
Genome position (GRCh38, 1-based): chr9:3,828,371, C>A on the plus strand (G>T on the coding strand, the complement: GLIS3 is on the minus strand). VCF-style: chr9-3828371-C-A. GRCh37 (hg19) VCF-style: chr9-3828371-C-A.
Other names: c.2229G>T, p.Gly743= (NM_152629.4).
Identifiers: ClinVar variation 1903964 (VCV001903964.4), dbSNP rs531799411, ClinGen allele CA188257938.